The following is an entry in ClinVar:

ClinVar aggregate classification (germline): Uncertain significance (1 of 4 stars; one submission).

Submission:

Labcorp Genetics (formerly Invitae), Labcorp
Classification: Uncertain significance. Last evaluated: 2022-08-16. Review status: criteria provided, single submitter. Criteria: Invitae Variant Classification Sherloc (09022015). Collection method: clinical testing. Allele origin: germline.
Comment: In summary, the available evidence is currently insufficient to determine the role of this variant in disease. Therefore, it has been classified as a Variant of Uncertain Significance. Algorithms developed to predict the effect of missense changes on protein structure and function output the following: SIFT: "Tolerated"; PolyPhen-2: "Benign"; Align-GVGD: "Class C0". The proline amino acid residue is found in multiple mammalian species, which suggests that this missense change does not adversely affect protein function. This variant has not been reported in the literature in individuals affected with PALM-related conditions. This variant is not present in population databases (gnomAD no frequency). This sequence change replaces arginine, which is basic and polar, with proline, which is neutral and non-polar, at codon 130 of the PALM protein (p.Arg130Pro).

NM_002579.3(PALM):c.389G>C (p.Arg130Pro)

Gene: PALM (paralemmin; plus strand). Cytogenetic location: 19p13.3.
Variant type: single nucleotide variant.
Coding change: c.389G>C on transcript NM_002579.3 (MANE Select); coding-DNA position 389, G replaced by C.
Protein change: p.Arg130Pro; replaces arginine 130 with proline.
Molecular consequence: missense variant.
Genome position (GRCh38, 1-based): chr19:731,214, G>C. VCF-style: chr19-731214-G-C. GRCh37 (hg19) VCF-style: chr19-731214-G-C.
Other names: c.389G>C, p.Arg130Pro (NM_001040134.2); short protein forms R130P.
Identifiers: ClinVar variation 1998291 (VCV001998291.4), dbSNP rs775703604, ClinGen allele CA402881035.